The following is an entry in ClinVar:

ClinVar aggregate classification (germline): Benign/Likely benign. Review status: criteria provided, multiple submitters, no conflicts (2 of 4 stars). 15 submissions from 14 submitters: Benign (5); Likely benign (7). 3 of the submissions do not count toward it. Last evaluated 2026-03-01.

Conditions:
FBN2-related disorder. Also called: FBN2-related condition.
Connective tissue disorder. Also called: Connective tissue disease. Identifiers: MedGen C0009782, MONDO:0003900.
Ehlers-Danlos syndrome (EDS). Identifiers: Orphanet 98249, MedGen C0013720, MONDO:0020066.
Congenital contractural arachnodactyly (CCA). Also called: BEALS SYNDROME; Beals-Hecht syndrome; Arthrogryposis, distal, type 9. Identifiers: Orphanet 115, MedGen C0220668, MONDO:0007363, OMIM 121050.
Familial thoracic aortic aneurysm and aortic dissection (TAAD). Also called: Thoracic aortic aneurysms and dissections. Identifiers: Orphanet 91387, MedGen C4707243, MONDO:0019625.

Allele frequency attached by ClinVar (database versions not stated): ExAC 0.00082; gnomAD exomes 0.00082 and 0.00171; TOPMed 0.00114; gnomAD 0.00120; 1000 Genomes Project 30x 0.00172; ESP Exome Variant Server 0.00177; 1000 Genomes Project 0.00180.
gnomAD v4.1: 2,679 of 1,614,132 alleles (0.17%); highest among the groups gnomAD compares: Non-Finnish European, 0.21%; 3 homozygotes.

Submissions (15):

CeGaT Center for Human Genetics Tuebingen
Classification: Likely benign. Last evaluated: 2026-03-01. Review status: criteria provided, single submitter. Criteria: CeGaT Center For Human Genetics Tuebingen Variant Classification Criteria Version 2. Collection method: clinical testing. Allele origin: germline. Affected: yes. Observed: 4 variant alleles.
Comment: FBN2: BP4, BP7, BS1

Labcorp Genetics (formerly Invitae), Labcorp
Classification: Benign for Congenital contractural arachnodactyly. Last evaluated: 2026-01-28. Review status: criteria provided, single submitter. Criteria: Invitae Variant Classification Sherloc (09022015). Collection method: clinical testing. Allele origin: germline.

ARUP Laboratories, Molecular Genetics and Genomics, ARUP Laboratories
Classification: Benign. Last evaluated: 2025-03-27. Review status: criteria provided, single submitter. Criteria: ARUP Molecular Germline Variant Investigation Process 2024. Collection method: clinical testing. Allele origin: germline.

Blueprint Genetics
Classification: Likely benign. Last evaluated: 2024-10-16. Review status: criteria provided, single submitter. Criteria: ACMG Guidelines, 2015. Collection method: clinical testing. Allele origin: germline.

Women's Health and Genetics/Laboratory Corporation of America, LabCorp
Classification: Benign. Last evaluated: 2023-08-24. Review status: criteria provided, single submitter. Criteria: LabCorp Variant Classification Summary - May 2015. Collection method: clinical testing. Allele origin: germline.

Genome Diagnostics Laboratory, The Hospital for Sick Children
Classification: Likely benign for Ehlers-Danlos syndrome. Last evaluated: 2020-07-01. Review status: criteria provided, single submitter. Criteria: ACMG Guidelines, 2015. Collection method: clinical testing. Allele origin: germline.

Genome Diagnostics Laboratory, The Hospital for Sick Children
Classification: Likely benign for Connective tissue disorder. Last evaluated: 2020-07-01. Review status: criteria provided, single submitter. Criteria: ACMG Guidelines, 2015. Collection method: clinical testing. Allele origin: germline.

Illumina Laboratory Services, Illumina
Classification: Benign for Congenital contractural arachnodactyly. Last evaluated: 2018-01-13. Review status: criteria provided, single submitter. Criteria: ICSL Variant Classification Criteria 13 December 2019. Collection method: clinical testing. Allele origin: germline.
Comment: This variant was observed in the ICSL laboratory as part of a predisposition screen in an ostensibly healthy population. It had not been previously curated by ICSL or reported in the Human Gene Mutation Database (HGMD: prior to June 1st, 2018), and was therefore a candidate for classification through an automated scoring system. Utilizing variant allele frequency, disease prevalence and penetrance estimates, and inheritance mode, an automated score was calculated to assess if this variant is too frequent to cause the disease. Based on the score and internal cut-off values, a variant classified as benign is not then subjected to further curation. The score for this variant resulted in a classification of benign for this disease.

Clinical Genetics DNA and cytogenetics Diagnostics Lab, Erasmus MC, Erasmus Medical Center
Classification: Likely benign for Congenital contractural arachnodactyly. Last evaluated: 2017-06-28. Review status: criteria provided, single submitter. Criteria: ACGS Guidelines, 2013. Collection method: clinical testing. Allele origin: germline. Affected: yes. Study: VKGL Data-share Consensus.

Center for Human Genetics, Inc
Classification: Likely benign for Connective tissue disorder. Last evaluated: 2016-11-01. Review status: criteria provided, single submitter. Criteria: ACMG Guidelines, 2015. Collection method: clinical testing. Allele origin: germline. Affected: yes.

Ambry Genetics
Classification: Likely benign for Familial thoracic aortic aneurysm and aortic dissection. Last evaluated: 2015-04-03. Review status: criteria provided, single submitter. Criteria: Ambry Variant Classification Scheme 2023. Collection method: clinical testing. Allele origin: germline.

GeneDx
Classification: Benign. Last evaluated: 2013-02-01. Review status: criteria provided, single submitter. Criteria: GeneDx Variant Classification (06012015). Collection method: clinical testing. Allele origin: germline. Affected: yes.
Comment: This variant is considered likely benign or benign based on one or more of the following criteria: it is a conservative change, it occurs at a poorly conserved position in the protein, it is predicted to be benign by multiple in silico algorithms, and/or has population frequency not consistent with disease.

PreventionGenetics, part of Exact Sciences
Classification: Likely benign for FBN2-related condition. Last evaluated: 2021-02-04. Review status: no assertion criteria provided. Collection method: clinical testing. Allele origin: germline. Not counted in ClinVar's aggregate classification.
Comment: This variant is classified as likely benign based on ACMG/AMP sequence variant interpretation guidelines (Richards et al. 2015 PMID: 25741868, with internal and published modifications).

Genome Diagnostics Laboratory, Amsterdam University Medical Center
Classification: Benign for Congenital contractural arachnodactyly. Last evaluated: 2015-01-08. Review status: no assertion criteria provided. Criteria: ACGS Guidelines, 2013. Collection method: clinical testing. Allele origin: germline. Affected: yes. Study: VKGL Data-share Consensus. Not counted in ClinVar's aggregate classification.

Genome Diagnostics Laboratory, University Medical Center Utrecht
Classification: Likely benign. Review status: no assertion criteria provided. Collection method: clinical testing. Allele origin: germline. Affected: yes. Study: VKGL Data-share Consensus. Not counted in ClinVar's aggregate classification.

NM_001999.4(FBN2):c.8304C>T (p.Asn2768=)

Gene: FBN2 (fibrillin 2; minus strand). Cytogenetic location: 5q23.3.
Variant type: single nucleotide variant.
Coding change: c.8304C>T on transcript NM_001999.4 (MANE Select); coding-DNA position 8304, C replaced by T.
Protein change: p.Asn2768=; no amino-acid change (asparagine 2768 retained).
Molecular consequence: synonymous variant.
Genome position (GRCh38, 1-based): chr5:128,261,796, G>A on the plus strand (C>T on the coding strand, the complement: FBN2 is on the minus strand). VCF-style: chr5-128261796-G-A. GRCh37 (hg19) VCF-style: chr5-127597488-G-A.
Other names: p.N2768N:AAC>AAT.
Identifiers: ClinVar variation 137354 (VCV000137354.63), dbSNP rs28763920, ClinGen allele CA290901.